The following is an entry in ClinVar:

NM_000540.3(RYR1):c.1522G>T (p.Glu508Ter)

Genes: RYR1 (ryanodine receptor 1; plus strand), LOC129391106 (MPRA-validated peak3472 silencer; plus strand). Cytogenetic location: 19q13.2.
Variant type: single nucleotide variant.
Coding change: c.1522G>T on transcript NM_000540.3 (MANE Select); coding-DNA position 1522, G replaced by T.
Protein change: p.Glu508Ter; replaces glutamic acid 508 with a stop codon.
Molecular consequence: nonsense.
Genome position (GRCh38, 1-based): chr19:38,455,316, G>T. VCF-style: chr19-38455316-G-T. GRCh37 (hg19) VCF-style: chr19-38945956-G-T.
Other names: c.1522G>T, p.Glu508Ter (NM_001042723.2); short protein forms E508*.
Identifiers: ClinVar variation 2977733 (VCV002977733.3), dbSNP rs1030637532, ClinGen allele CA405689017.

ClinVar aggregate classification (germline): Pathogenic (1 of 4 stars; one submission).

Conditions:
RYR1-related disorder. Also called: RYR1-related condition; RYR1-related disorders. Identifiers: MedGen CN239331.

Submission:

Labcorp Genetics (formerly Invitae), Labcorp
Classification: Pathogenic for RYR1-related disorder. Last evaluated: 2023-11-17. Review status: criteria provided, single submitter. Criteria: Invitae Variant Classification Sherloc (09022015). Collection method: clinical testing. Allele origin: germline.
Comment: This sequence change creates a premature translational stop signal (p.Glu508*) in the RYR1 gene. It is expected to result in an absent or disrupted protein product. Loss-of-function variants in RYR1 are known to be pathogenic (PMID: 23919265, 25960145, 28818389, 30611313). This variant is not present in population databases (gnomAD no frequency). This variant has not been reported in the literature in individuals affected with RYR1-related conditions. For these reasons, this variant has been classified as Pathogenic.

Literature cited by the submitters: PubMed 23919265; PubMed 25960145; PubMed 28818389; PubMed 30611313.